The following is an entry in ClinVar:

ClinVar aggregate classification (germline): Uncertain significance (1 of 4 stars; one submission).

Conditions:
MHC class II deficiency. Also called: Bare lymphocyte syndrome 2; BLS, TYPE II. Identifiers: Orphanet 572, MedGen C5447452, MONDO:0008855.

Allele frequency attached by ClinVar (database versions not stated): gnomAD 0.00005.

Submission:

Labcorp Genetics (formerly Invitae), Labcorp
Classification: Uncertain significance for MHC class II deficiency. Last evaluated: 2022-08-19. Review status: criteria provided, single submitter. Criteria: Invitae Variant Classification Sherloc (09022015). Collection method: clinical testing. Allele origin: germline.
Comment: This sequence change replaces aspartic acid, which is acidic and polar, with glutamic acid, which is acidic and polar, at codon 492 of the CIITA protein (p.Asp492Glu). This variant is present in population databases (rs763054530, gnomAD 0.02%). This variant has not been reported in the literature in individuals affected with CIITA-related conditions. Algorithms developed to predict the effect of missense changes on protein structure and function output the following: SIFT: "Tolerated"; PolyPhen-2: "Benign"; Align-GVGD: "Class C0". The glutamic acid amino acid residue is found in multiple mammalian species, which suggests that this missense change does not adversely affect protein function. In summary, the available evidence is currently insufficient to determine the role of this variant in disease. Therefore, it has been classified as a Variant of Uncertain Significance.

NM_000246.4(CIITA):c.1476C>G (p.Asp492Glu)

Gene: CIITA (class II major histocompatibility complex transactivator; plus strand). Cytogenetic location: 16p13.13.
Variant type: single nucleotide variant.
Coding change: c.1476C>G on transcript NM_000246.4 (MANE Select); coding-DNA position 1476, C replaced by G.
Protein change: p.Asp492Glu; replaces aspartic acid 492 with glutamic acid.
Molecular consequence: missense variant. On other transcripts: intron variant (1).
Genome position (GRCh38, 1-based): chr16:10,906,968, C>G. VCF-style: chr16-10906968-C-G. GRCh37 (hg19) VCF-style: chr16-11000825-C-G.
Other names: c.1479C>G, p.Asp493Glu (NM_001286402.1, NM_001379332.1); c.1332C>G, p.Asp444Glu (NM_001379330.1); c.1329C>G, p.Asp443Glu (NM_001379331.1); c.1476C>G, p.Asp492Glu (NM_001379333.1); c.1407C>G, p.Asp469Glu (NM_001379334.1); c.860-2015C>G (NM_001286403.2); short protein forms D443E, D469E, D493E, D444E, D492E.
Identifiers: ClinVar variation 2157675 (VCV002157675.1), dbSNP rs763054530, ClinGen allele CA7900138.